The following is an entry in ClinVar:

NM_004304.5(ALK):c.1647+4A>G

Gene: ALK (ALK receptor tyrosine kinase; minus strand). Cytogenetic location: 2p23.2.
Variant type: single nucleotide variant.
Coding change: c.1647+4A>G on transcript NM_004304.5 (MANE Select); 4 bases into the intron after coding-DNA position 1647, A replaced by G.
Molecular consequence: intron variant.
Genome position (GRCh38, 1-based): chr2:29,318,300, T>C on the plus strand (A>G on the coding strand, the complement: ALK is on the minus strand). VCF-style: chr2-29318300-T-C. GRCh37 (hg19) VCF-style: chr2-29541166-T-C.
Identifiers: ClinVar variation 1497321 (VCV001497321.6), dbSNP rs2148247925, ClinGen allele CA2573134567.

ClinVar aggregate classification (germline): Uncertain significance (1 of 4 stars; one submission).

Conditions:
Neuroblastoma, susceptibility to, 3. Also called: ALK-Related Neuroblastic Tumor Susceptibility. Identifiers: Orphanet 635, MedGen C2751681, MONDO:0013083, OMIM 613014.

Submission:

Labcorp Genetics (formerly Invitae), Labcorp
Classification: Uncertain significance for Neuroblastoma, susceptibility to, 3. Last evaluated: 2021-06-08. Review status: criteria provided, single submitter. Criteria: Invitae Variant Classification Sherloc (09022015). Collection method: clinical testing. Allele origin: germline.
Comment: This variant is not present in population databases (ExAC no frequency). This sequence change falls in intron 8 of the ALK gene. It does not directly change the encoded amino acid sequence of the ALK protein. It affects a nucleotide within the consensus splice site of the intron. This variant has not been reported in the literature in individuals with ALK-related conditions. In summary, the available evidence is currently insufficient to determine the role of this variant in disease. Therefore, it has been classified as a Variant of Uncertain Significance. Nucleotide substitutions within the consensus splice site are a relatively common cause of aberrant splicing (PMID: 17576681, 9536098). Algorithms developed to predict the effect of sequence changes on RNA splicing suggest that this variant is not likely to affect RNA splicing, but this prediction has not been confirmed by published transcriptional studies.

Literature cited by the submitters: PubMed 17576681; PubMed 9536098.